The following is an entry in ClinVar:

ClinVar aggregate classification (germline): Uncertain significance (1 of 4 stars; one submission).

Conditions:
Bardet-Biedl syndrome (BBS). Identifiers: Orphanet 110, MedGen C0752166, MONDO:0015229.

Submission:

Labcorp Genetics (formerly Invitae), Labcorp
Classification: Uncertain significance for Bardet-Biedl syndrome. Last evaluated: 2020-09-12. Review status: criteria provided, single submitter. Criteria: Invitae Variant Classification Sherloc (09022015). Collection method: clinical testing. Allele origin: germline.
Comment: In summary, the available evidence is currently insufficient to determine the role of this variant in disease. Therefore, it has been classified as a Variant of Uncertain Significance. Algorithms developed to predict the effect of sequence changes on RNA splicing suggest that this variant may create or strengthen a splice site, but this prediction has not been confirmed by published transcriptional studies. Algorithms developed to predict the effect of missense changes on protein structure and function are either unavailable or do not agree on the potential impact of this missense change (SIFT: "Deleterious"; PolyPhen-2: "Probably Damaging"; Align-GVGD: "Class C0"). This variant has not been reported in the literature in individuals with BBS9-related conditions. This variant is not present in population databases (ExAC no frequency). This sequence change replaces lysine with threonine at codon 821 of the BBS9 protein (p.Lys821Thr). The lysine residue is highly conserved and there is a moderate physicochemical difference between lysine and threonine.

NM_198428.3(BBS9):c.2462A>C (p.Lys821Thr)

Gene: BBS9 (Bardet-Biedl syndrome 9; plus strand). Cytogenetic location: 7p14.3.
Variant type: single nucleotide variant.
Coding change: c.2462A>C on transcript NM_198428.3 (MANE Select); coding-DNA position 2462, A replaced by C.
Protein change: p.Lys821Thr; replaces lysine 821 with threonine.
Molecular consequence: missense variant. On other transcripts: non-coding transcript variant (3).
Genome position (GRCh38, 1-based): chr7:33,534,117, A>C. VCF-style: chr7-33534117-A-C. GRCh37 (hg19) VCF-style: chr7-33573729-A-C.
Other names: c.2357A>C, p.Lys786Thr (NM_001033604.2); c.2447A>C, p.Lys816Thr (NM_001033605.2); c.2462A>C, p.Lys821Thr (NM_001348036.1, NM_001348041.4, NM_001348043.3 and 1 more transcripts); c.1913A>C, p.Lys638Thr (NM_001348037.3); c.2189A>C, p.Lys730Thr (NM_001348038.3); c.2084A>C, p.Lys695Thr (NM_001348039.3); c.2342A>C, p.Lys781Thr (NM_001348040.3, NM_014451.4); c.2327A>C, p.Lys776Thr (NM_001348042.3); and 2 more; short protein forms K638T, K781T, K821T, K664T, K786T, K695T, K699T, K730T.
Identifiers: ClinVar variation 1043534 (VCV001043534.8), dbSNP rs1851006563, ClinGen allele CA367257037.
Genomic context (GRCh38, chr7:33,534,117, plus strand): 5'-TACCCAAAGACACAAGCCAACTGAAGAAACATATCACCTTGCTCTGCGATAGATTATCCA[A>C]AGGTGGCCGTCTCTGCCTAAGTACCGATGCAGCAGCCCCACAGACCATGGTCATGCCAGG-3'
Protein context (NP_940820.1, residues 811-831): HITLLCDRLS[Lys821Thr]GGRLCLSTDA